The following is an entry in ClinVar:

NM_022098.4(XPNPEP3):c.926G>A (p.Arg309Gln)

Gene: XPNPEP3 (X-prolyl aminopeptidase 3; plus strand). Cytogenetic location: 22q13.2.
Variant type: single nucleotide variant.
Coding change: c.926G>A on transcript NM_022098.4 (MANE Select); coding-DNA position 926, G replaced by A.
Protein change: p.Arg309Gln; replaces arginine 309 with glutamine.
Molecular consequence: missense variant.
Genome position (GRCh38, 1-based): chr22:40,909,192, G>A. VCF-style: chr22-40909192-G-A. GRCh37 (hg19) VCF-style: chr22-41305196-G-A.
Other names: short protein forms R309Q.
Identifiers: ClinVar variation 1712468 (VCV001712468.7), dbSNP rs773473817, ClinGen allele CA10251801.

ClinVar aggregate classification (germline): Uncertain significance. Review status: criteria provided, multiple submitters, no conflicts (2 of 4 stars). 2 submissions from 2 submitters: Uncertain significance (2). Last evaluated 2022-06-08.

Conditions:
Kidney disorder. Also called: renal disease; renal disorder; Nephropathy; Kidney disease; Kidney Diseases. Identifiers: MedGen C0022658, MONDO:0005240, HP:0000112.
Nephronophthisis-like nephropathy 1 (NPHPL1). Identifiers: Orphanet 655, MedGen C3150419, MONDO:0013163, OMIM 613159.

Allele frequency attached by ClinVar (database versions not stated): ExAC 0.00001; TOPMed 0.00001; gnomAD 0.00002.
gnomAD v4.1: 12 of 1,614,018 alleles (0.00074%); highest among the groups gnomAD compares: African/African-American, 0.0027%; no homozygotes.

Submissions (2):

Labcorp Genetics (formerly Invitae), Labcorp
Classification: Uncertain significance for Nephronophthisis-like nephropathy 1. Last evaluated: 2022-06-08. Review status: criteria provided, single submitter. Criteria: Invitae Variant Classification Sherloc (09022015). Collection method: clinical testing. Allele origin: germline.
Comment: This variant has not been reported in the literature in individuals affected with XPNPEP3-related conditions. In summary, the available evidence is currently insufficient to determine the role of this variant in disease. Therefore, it has been classified as a Variant of Uncertain Significance. Algorithms developed to predict the effect of missense changes on protein structure and function are either unavailable or do not agree on the potential impact of this missense change (SIFT: "Deleterious"; PolyPhen-2: "Probably Damaging"; Align-GVGD: "Class C0"). This variant is present in population databases (rs773473817, gnomAD 0.004%). This sequence change replaces arginine, which is basic and polar, with glutamine, which is neutral and polar, at codon 309 of the XPNPEP3 protein (p.Arg309Gln).

Genome Diagnostics Laboratory, The Hospital for Sick Children
Classification: Uncertain significance for Kidney disorder. Last evaluated: 2021-05-07. Review status: criteria provided, single submitter. Criteria: ACMG Guidelines, 2015. Collection method: clinical testing. Allele origin: germline.